The following is an entry in ClinVar:

NM_000181.4(GUSB):c.1730G>A (p.Arg577His)

Gene: GUSB (glucuronidase beta; minus strand). Cytogenetic location: 7q11.21.
Variant type: single nucleotide variant.
Coding change: c.1730G>A on transcript NM_000181.4 (MANE Select); coding-DNA position 1730, G replaced by A.
Protein change: p.Arg577His; replaces arginine 577 with histidine.
Molecular consequence: missense variant. On other transcripts: non-coding transcript variant (1).
Genome position (GRCh38, 1-based): chr7:65,964,382, C>T on the plus strand (G>A on the coding strand, the complement: GUSB is on the minus strand). VCF-style: chr7-65964382-C-T. GRCh37 (hg19) VCF-style: chr7-65429369-C-T.
Other names: c.1292G>A, p.Arg431His (NM_001284290.2); c.1160G>A, p.Arg387His (NM_001293104.2); c.1073G>A, p.Arg358His (NM_001293105.2); short protein forms R358H, R431H, R577H, R387H.
Identifiers: ClinVar variation 5007224 (VCV005007224.2).

ClinVar aggregate classification (germline): Uncertain significance (1 of 4 stars; one submission).

Conditions:
Mucopolysaccharidosis type 7 (MPS7). Also called: GUSB DEFICIENCY; SLY SYNDROME; MPS VII; BETA-GLUCURONIDASE DEFICIENCY. Identifiers: Orphanet 584, MedGen C0085132, MONDO:0009662, OMIM 253220.

gnomAD v4.1: 3 of 1,611,262 alleles (0.00019%); highest among the groups gnomAD compares: Non-Finnish European, 0.00025%; no homozygotes.

Submission:

Juno Genomics, Hangzhou Juno Genomics, Inc
Classification: Uncertain significance for Mucopolysaccharidosis type 7. Review status: criteria provided, single submitter. Criteria: ACMG Guidelines, 2015. Collection method: clinical testing. Allele origin: germline.
Comment: Absent from controls (or at extremely low frequency if recessive) in Genome Aggregation Database.;Multiple lines of computational evidence support a deleterious effect on the gene or gene product.